The following is an entry in ClinVar:

NM_002834.5(PTPN11):c.502A>T (p.Thr168Ser)

Gene: PTPN11 (protein tyrosine phosphatase non-receptor type 11; plus strand). Cytogenetic location: 12q24.13.
Variant type: single nucleotide variant.
Coding change: c.502A>T on transcript NM_002834.5 (MANE Select); coding-DNA position 502, A replaced by T.
Protein change: p.Thr168Ser; replaces threonine 168 with serine.
Molecular consequence: missense variant.
Genome position (GRCh38, 1-based): chr12:112,453,364, A>T. VCF-style: chr12-112453364-A-T. GRCh37 (hg19) VCF-style: chr12-112891168-A-T.
Other names: c.502A>T, p.Thr168Ser (NM_001330437.2, NM_080601.3); c.499A>T, p.Thr167Ser (NM_001374625.1); short protein forms T167S, T168S.
Identifiers: ClinVar variation 1305307 (VCV001305307.5), dbSNP rs2038105901, ClinGen allele CA386781838.

ClinVar aggregate classification (germline): Uncertain significance. Review status: criteria provided, multiple submitters, no conflicts (2 of 4 stars). 3 submissions from 3 submitters: Uncertain significance (3). Last evaluated 2026-06-16.

Conditions:
Cardiovascular phenotype. Identifiers: MedGen CN230736.
RASopathy. Also called: rasopathies; Noonan spectrum disorder. Identifiers: Orphanet 536391, MedGen C5555857, MONDO:0021060.

Submissions (3):

Ambry Genetics
Classification: Uncertain significance for Cardiovascular phenotype. Last evaluated: 2026-06-16. Review status: criteria provided, single submitter. Criteria: Ambry Variant Classification Scheme 2023. Collection method: clinical testing. Allele origin: germline.
Comment: The p.T168S variant (also known as c.502A>T), located in coding exon 4 of the PTPN11 gene, results from an A to T substitution at nucleotide position 502. The threonine at codon 168 is replaced by serine, an amino acid with similar properties. This amino acid position is highly conserved in available vertebrate species. In addition, the in silico prediction for this alteration is inconclusive. Based on the available evidence, the clinical significance of this variant remains unclear.

Labcorp Genetics (formerly Invitae), Labcorp
Classification: Uncertain significance for RASopathy. Last evaluated: 2024-12-08. Review status: criteria provided, single submitter. Criteria: Invitae Variant Classification Sherloc (09022015). Collection method: clinical testing. Allele origin: germline.
Comment: This sequence change replaces threonine, which is neutral and polar, with serine, which is neutral and polar, at codon 168 of the PTPN11 protein (p.Thr168Ser). This variant is not present in population databases (gnomAD no frequency). This variant has not been reported in the literature in individuals affected with PTPN11-related conditions. ClinVar contains an entry for this variant (Variation ID: 1305307). Invitae Evidence Modeling of protein sequence and biophysical properties (such as structural, functional, and spatial information, amino acid conservation, physicochemical variation, residue mobility, and thermodynamic stability) has been performed for this missense variant. However, the output from this modeling did not meet the statistical confidence thresholds required to predict the impact of this variant on PTPN11 protein function. In summary, the available evidence is currently insufficient to determine the role of this variant in disease. Therefore, it has been classified as a Variant of Uncertain Significance.

GeneDx
Classification: Uncertain significance. Last evaluated: 2019-01-23. Review status: criteria provided, single submitter. Criteria: GeneDx Variant Classification Process June 2021. Collection method: clinical testing. Allele origin: germline. Affected: yes.
Comment: Not observed in large population cohorts (Lek et al., 2016); In silico analysis, which includes protein predictors and evolutionary conservation, supports a deleterious effect; Has not been previously published as pathogenic or benign to our knowledge

Literature cited by the submitters: PubMed 37468946 (cited by Ambry Genetics).